The following is an entry in ClinVar:

NM_005477.3(HCN4):c.3503T>G (p.Phe1168Cys)

Gene: HCN4 (hyperpolarization activated cyclic nucleotide gated potassium channel 4; minus strand). Cytogenetic location: 15q24.1.
Variant type: single nucleotide variant.
Coding change: c.3503T>G on transcript NM_005477.3 (MANE Select); coding-DNA position 3503, T replaced by G.
Protein change: p.Phe1168Cys; replaces phenylalanine 1168 with cysteine.
Molecular consequence: missense variant.
Genome position (GRCh38, 1-based): chr15:73,322,590, A>C on the plus strand (T>G on the coding strand, the complement: HCN4 is on the minus strand). VCF-style: chr15-73322590-A-C. GRCh37 (hg19) VCF-style: chr15-73614931-A-C.
Other names: short protein forms F1168C.
Identifiers: ClinVar variation 1732091 (VCV001732091.7), dbSNP rs1374291021, ClinGen allele CA393085091.

ClinVar aggregate classification (germline): Uncertain significance. Review status: criteria provided, multiple submitters, no conflicts (2 of 4 stars). 2 submissions from 2 submitters: Uncertain significance (2). Last evaluated 2025-04-13.

Conditions:
Cardiovascular phenotype. Identifiers: MedGen CN230736.
Brugada syndrome 8 (BRGDA8). Identifiers: Orphanet 130, MedGen C2751083, MONDO:0013148, OMIM 613123.

Submissions (2):

Labcorp Genetics (formerly Invitae), Labcorp
Classification: Uncertain significance for Brugada syndrome 8. Last evaluated: 2025-04-13. Review status: criteria provided, single submitter. Criteria: Invitae Variant Classification Sherloc (09022015). Collection method: clinical testing. Allele origin: germline.
Comment: This sequence change replaces phenylalanine, which is neutral and non-polar, with cysteine, which is neutral and slightly polar, at codon 1168 of the HCN4 protein (p.Phe1168Cys). This variant is not present in population databases (gnomAD no frequency). This variant has not been reported in the literature in individuals affected with HCN4-related conditions. ClinVar contains an entry for this variant (Variation ID: 1732091). Invitae Evidence Modeling of protein sequence and biophysical properties (such as structural, functional, and spatial information, amino acid conservation, physicochemical variation, residue mobility, and thermodynamic stability) indicates that this missense variant is not expected to disrupt HCN4 protein function with a negative predictive value of 95%. In summary, the available evidence is currently insufficient to determine the role of this variant in disease. Therefore, it has been classified as a Variant of Uncertain Significance.

Ambry Genetics
Classification: Uncertain significance for Cardiovascular phenotype. Last evaluated: 2022-06-09. Review status: criteria provided, single submitter. Criteria: Ambry Variant Classification Scheme 2023. Collection method: clinical testing. Allele origin: germline.
Comment: The p.F1168C variant (also known as c.3503T>G), located in coding exon 8 of the HCN4 gene, results from a T to G substitution at nucleotide position 3503. The phenylalanine at codon 1168 is replaced by cysteine, an amino acid with highly dissimilar properties. This amino acid position is conserved. In addition, the in silico prediction for this alteration is inconclusive. Since supporting evidence is limited at this time, the clinical significance of this alteration remains unclear.